The following is an entry in ClinVar:

NM_001035.3(RYR2):c.12373G>T (p.Val4125Phe)

Gene: RYR2 (ryanodine receptor 2; plus strand). Cytogenetic location: 1q43.
Variant type: single nucleotide variant.
Coding change: c.12373G>T on transcript NM_001035.3 (MANE Select); coding-DNA position 12373, G replaced by T.
Protein change: p.Val4125Phe; replaces valine 4125 with phenylalanine.
Molecular consequence: missense variant.
Genome position (GRCh38, 1-based): chr1:237,784,085, G>T. VCF-style: chr1-237784085-G-T. GRCh37 (hg19) VCF-style: chr1-237947385-G-T.
Other names: p.V4125F:GTC>TTC; c.12373G>T, p.Val4125Phe (LRG_402t1); short protein forms V4125F.
Identifiers: ClinVar variation 201331 (VCV000201331.2), dbSNP rs775417996, ClinGen allele CA007493.

ClinVar aggregate classification (germline): Uncertain significance (1 of 4 stars; one submission).

Submission:

GeneDx
Classification: Uncertain significance. Last evaluated: 2017-05-16. Review status: criteria provided, single submitter. Criteria: GeneDx Variant Classification (06012015). Collection method: clinical testing. Allele origin: germline. Affected: yes.
Comment: A variant of uncertain significance has been identified in the RYR2 gene. The V4125F variant has not been published as pathogenic or been reported as benign to our knowledge. This variant is not observed in large population cohorts (Lek et al., 2016; 1000 Genomes Consortium et al., 2015; Exome Variant Server). The V4125F variant is a semi-conservative amino acid substitution, which may impact secondary protein structure as these residues differ in some properties. In silico analysis predicts this variant is probably damaging to the protein structure/function. The V4125F variant is located in one of the three hot-spot regions of the RYR2 gene, where the majority of pathogenic missense variants occur (Medeiros-Domingo et al., 2009). However, this substitution occurs at a position where amino acids with similar properties to valine are tolerated across species.